The following is an entry in ClinVar:

NM_006059.4(LAMC3):c.1458C>A (p.Ser486=)

Gene: LAMC3 (laminin subunit gamma 3; plus strand). Cytogenetic location: 9q34.12.
Variant type: single nucleotide variant.
Coding change: c.1458C>A on transcript NM_006059.4 (MANE Select); coding-DNA position 1458, C replaced by A.
Protein change: p.Ser486=; no amino-acid change (serine 486 retained).
Molecular consequence: synonymous variant.
Genome position (GRCh38, 1-based): chr9:131,045,599, C>A. VCF-style: chr9-131045599-C-A. GRCh37 (hg19) VCF-style: chr9-133920986-C-A.
Identifiers: ClinVar variation 2007323 (VCV002007323.4), dbSNP rs2490735232, ClinGen allele CA467402439.

ClinVar aggregate classification (germline): Uncertain significance (1 of 4 stars; one submission).

Submission:

Labcorp Genetics (formerly Invitae), Labcorp
Classification: Uncertain significance. Last evaluated: 2022-06-15. Review status: criteria provided, single submitter. Criteria: Invitae Variant Classification Sherloc (09022015). Collection method: clinical testing. Allele origin: germline.
Comment: In summary, the available evidence is currently insufficient to determine the role of this variant in disease. Therefore, it has been classified as a Variant of Uncertain Significance. Algorithms developed to predict the effect of sequence changes on RNA splicing suggest that this variant may disrupt the consensus splice site. This variant has not been reported in the literature in individuals affected with LAMC3-related conditions. This variant is not present in population databases (gnomAD no frequency). This sequence change affects codon 486 of the LAMC3 mRNA. It is a 'silent' change, meaning that it does not change the encoded amino acid sequence of the LAMC3 protein.